The following is an entry in ClinVar:

ClinVar aggregate classification (germline): Likely benign. Review status: criteria provided, single submitter (1 of 4 stars). 2 submissions from 2 submitters: Likely benign (1). 1 of the submissions does not count toward it. Last evaluated 2024-11-18.

Conditions:
DCLRE1B-related disorder. Also called: DCLRE1B-related condition.
Hoyeraal-Hreidarsson syndrome (HHS). Also called: CEREBELLAR HYPOPLASIA WITH PANCYTOPENIA. Identifiers: Orphanet 3322, MedGen C1846142, MONDO:0018045.
Autosomal recessive dyskeratosis congenita. Identifiers: MedGen C3502105.

Allele frequency attached by ClinVar (database versions not stated): TOPMed 0.00003; ExAC 0.00005; gnomAD 0.00006.
gnomAD v4.1: 52 of 1,613,964 alleles (0.0032%); highest among the groups gnomAD compares: Admixed American, 0.0067%; no homozygotes.

Submissions (2):

Labcorp Genetics (formerly Invitae), Labcorp
Classification: Likely benign for Hoyeraal-Hreidarsson syndrome; Autosomal recessive dyskeratosis congenita. Last evaluated: 2024-11-18. Review status: criteria provided, single submitter. Criteria: Invitae Variant Classification Sherloc (09022015). Collection method: clinical testing. Allele origin: germline.

PreventionGenetics, part of Exact Sciences
Classification: Likely benign for DCLRE1B-related condition. Last evaluated: 2023-04-17. Review status: no assertion criteria provided. Collection method: clinical testing. Allele origin: germline. Not counted in ClinVar's aggregate classification.
Comment: This variant is classified as likely benign based on ACMG/AMP sequence variant interpretation guidelines (Richards et al. 2015 PMID: 25741868, with internal and published modifications).

NM_022836.4(DCLRE1B):c.771A>G (p.Thr257=)

Gene: DCLRE1B (DNA cross-link repair 1B; plus strand). Cytogenetic location: 1p13.2.
Variant type: single nucleotide variant.
Coding change: c.771A>G on transcript NM_022836.4 (MANE Select); coding-DNA position 771, A replaced by G.
Protein change: p.Thr257=; no amino-acid change (threonine 257 retained).
Molecular consequence: synonymous variant.
Genome position (GRCh38, 1-based): chr1:113,911,363, A>G. VCF-style: chr1-113911363-A-G. GRCh37 (hg19) VCF-style: chr1-114453985-A-G.
Other names: c.771A>G (NM_022836.3); c.393A>G, p.Thr131= (NM_001319946.2, NM_001319947.2, NM_001363691.2); c.771A>G, p.Thr257= (NM_001363690.2).
Identifiers: ClinVar variation 1146893 (VCV001146893.11), dbSNP rs768273057, ClinGen allele CA1016463.
Genomic context (GRCh38, chr1:113,911,363, plus strand): 5'-CTGCCATTCCAACATGCTGCGTTGGAACCAGACCCACCCTACGATTGCTATCCTTCCCAC[A>G]AGCCGAAAAATCCACAGCTCCCACCCTGATATCCACGTCATCCCTTACTCTGACCATTCC-3'
Protein context (NP_073747.1, residues 247-267): QTHPTIAILP[Thr257=]SRKIHSSHPD